The following is an entry in ClinVar:

NM_004946.3(DOCK2):c.4879G>T (p.Asp1627Tyr)

Gene: DOCK2 (dedicator of cytokinesis 2; plus strand). Cytogenetic location: 5q35.1.
Variant type: single nucleotide variant.
Coding change: c.4879G>T on transcript NM_004946.3 (MANE Select); coding-DNA position 4879, G replaced by T.
Protein change: p.Asp1627Tyr; replaces aspartic acid 1627 with tyrosine.
Molecular consequence: missense variant. On other transcripts: non-coding transcript variant (1).
Genome position (GRCh38, 1-based): chr5:170,077,722, G>T. VCF-style: chr5-170077722-G-T. GRCh37 (hg19) VCF-style: chr5-169504726-G-T.
Other names: c.4879G>T (NM_004946.2); short protein forms D1627Y.
Identifiers: ClinVar variation 1367193 (VCV001367193.6), dbSNP rs368481515, ClinGen allele CA3554690.

ClinVar aggregate classification (germline): Uncertain significance. Review status: criteria provided, multiple submitters, no conflicts (2 of 4 stars). 2 submissions from 2 submitters: Uncertain significance (2). Last evaluated 2025-09-10.

Conditions:
Inborn genetic diseases. Identifiers: MedGen C0950123, MeSH D030342.
DOCK2 deficiency. Also called: Immunodeficiency 40. Identifiers: Orphanet 447737, MedGen C4225328, MONDO:0014637, OMIM 616433.

gnomAD v4.1: 141 of 1,613,596 alleles (0.0087%); highest among the groups gnomAD compares: Middle Eastern, 0.016%; no homozygotes.

Submissions (2):

Ambry Genetics
Classification: Uncertain significance for Inborn genetic diseases. Last evaluated: 2025-09-10. Review status: criteria provided, single submitter. Criteria: Ambry Variant Classification Scheme 2023. Collection method: clinical testing. Allele origin: germline.

Labcorp Genetics (formerly Invitae), Labcorp
Classification: Uncertain significance for DOCK2 deficiency. Last evaluated: 2024-09-30. Review status: criteria provided, single submitter. Criteria: Invitae Variant Classification Sherloc (09022015). Collection method: clinical testing. Allele origin: germline.
Comment: This sequence change replaces aspartic acid, which is acidic and polar, with tyrosine, which is neutral and polar, at codon 1627 of the DOCK2 protein (p.Asp1627Tyr). This variant is present in population databases (rs368481515, gnomAD 0.02%). This variant has not been reported in the literature in individuals affected with DOCK2-related conditions. ClinVar contains an entry for this variant (Variation ID: 1367193). An algorithm developed to predict the effect of missense changes on protein structure and function (PolyPhen-2) suggests that this variant¬†is likely to be tolerated. In summary, the available evidence is currently insufficient to determine the role of this variant in disease. Therefore, it has been classified as a Variant of Uncertain Significance.